The following is an entry in ClinVar:

NM_020975.6(RET):c.3174A>C (p.Glu1058Asp)

Gene: RET (ret proto-oncogene; plus strand). Cytogenetic location: 10q11.21.
Variant type: single nucleotide variant.
Coding change: c.3174A>C on transcript NM_020975.6 (MANE Select); coding-DNA position 3174, A replaced by C.
Protein change: p.Glu1058Asp; replaces glutamic acid 1058 with aspartic acid.
Molecular consequence: missense variant.
Genome position (GRCh38, 1-based): chr10:43,126,709, A>C. VCF-style: chr10-43126709-A-C. GRCh37 (hg19) VCF-style: chr10-43622157-A-C.
Other names: c.3174A>C, p.Glu1058Asp (NM_000323.2, NM_001406743.1, NM_001406744.1 and 2 more transcripts); c.2412A>C, p.Glu804Asp (NM_001355216.2); c.3045A>C, p.Glu1015Asp (NM_001406761.1, NM_001406762.1, NM_001406764.1); c.3039A>C, p.Glu1013Asp (NM_001406763.1, NM_001406765.1); c.2886A>C, p.Glu962Asp (NM_001406766.1, NM_001406767.1, NM_001406770.1); c.2910A>C, p.Glu970Asp (NM_001406768.1); c.2778A>C, p.Glu926Asp (NM_001406769.1, NM_001406772.1); c.2736A>C, p.Glu912Asp (NM_001406771.1, NM_001406773.1); and 10 more; short protein forms E1058D, E804D, E714D, E728D, E926D, E962D, E1013D, E1015D.
Identifiers: ClinVar variation 1436497 (VCV001436497.10), dbSNP rs569004816, ClinGen allele CA042934.
Genomic context (GRCh38, chr10:43,126,709, plus strand): 5'-ACCGCTGGTGGACTGTAATAATGCCCCCCTCCCTCGAGCCCTCCCTTCCACATGGATTGA[A>C]AACAAACTCTATGGTAGAATTTCCCATGCATTTACTAGATTCTAGCACCGCTGTCCCCTT-3'
Protein context (NP_066124.1, residues 1048-1068): LPRALPSTWI[Glu1058Asp]NKLYGMSDPN

ClinVar aggregate classification (germline): Uncertain significance. Review status: criteria provided, multiple submitters, no conflicts (2 of 4 stars). 3 submissions from 3 submitters: Uncertain significance (3). Last evaluated 2025-07-08.

Conditions:
Multiple endocrine neoplasia, type 2 (MEN2). Identifiers: Orphanet 653, MedGen C4048306, MONDO:0019003. Disease mechanism: gain of function.
Multiple endocrine neoplasia type 2B. Also called: WAGENMANN-FROBOESE SYNDROME; MULTIPLE ENDOCRINE NEOPLASIA, TYPE III; MEN 2B; Multiple endocrine neoplasia, type 3; MULTIPLE ENDOCRINE NEOPLASIA, TYPE IIB; MEN IIB. Identifiers: Orphanet 247709, Orphanet 653, MedGen C0025269, MeSH D018814, MONDO:0008082, OMIM 162300.
Multiple endocrine neoplasia type 2A. Also called: MULTIPLE ENDOCRINE NEOPLASIA, TYPE IIA; PTC SYNDROME; SIPPLE SYNDROME; MEN 2A; MEN-2A syndrome; Pheochromocytoma and amyloid producing medullary thyroid carcinoma. Identifiers: Orphanet 247698, Orphanet 653, MedGen C0025268, MeSH D018813, MONDO:0008234, OMIM 171400.
Pheochromocytoma. Also called: MAX-Related Hereditary Paraganglioma-Pheochromocytoma Syndrome. Identifiers: Orphanet 29072, MedGen C0031511, MONDO:0008233, OMIM 171300, HP:0002666.
Familial medullary thyroid carcinoma (MTC). Also called: Thyroid cancer, familial medullary; MTC, familial; Familial Medullary Thyroid Carcinoma (FMTC). Identifiers: Orphanet 653, Orphanet 99361, MedGen C1833921, MONDO:0007958, OMIM 155240.
Hirschsprung disease, susceptibility to, 1 (HSCR1). Also called: RET-Related Hirschsprung Disease. Identifiers: Orphanet 388, MedGen C3888239, MONDO:0007723, OMIM 142623.
Hereditary cancer-predisposing syndrome. Also called: Hereditary neoplastic syndrome; Neoplastic Syndromes, Hereditary; Tumor predisposition; Hereditary Cancer Syndrome. Identifiers: Orphanet 140162, MedGen C0027672, MeSH D009386, MONDO:0015356.

Allele frequency attached by ClinVar (database versions not stated): TOPMed below 0.00001; ExAC 0.00001; gnomAD 0.00001; gnomAD exomes 0.00001; 1000 Genomes Project 30x 0.00016; 1000 Genomes Project 0.00020.
gnomAD v4.1: 11 of 1,613,996 alleles (0.00068%); highest among the groups gnomAD compares: African/African-American, 0.0067%; no homozygotes.

Submissions (3):

Labcorp Genetics (formerly Invitae), Labcorp
Classification: Uncertain significance for Multiple endocrine neoplasia, type 2. Last evaluated: 2025-07-08. Review status: criteria provided, single submitter. Criteria: Invitae Variant Classification Sherloc (09022015). Collection method: clinical testing. Allele origin: germline.
Comment: This sequence change replaces glutamic acid, which is acidic and polar, with aspartic acid, which is acidic and polar, at codon 1058 of the RET protein (p.Glu1058Asp). This variant is present in population databases (rs569004816, gnomAD 0.007%). This variant has not been reported in the literature in individuals affected with RET-related conditions. ClinVar contains an entry for this variant (Variation ID: 1436497). An algorithm developed to predict the effect of missense changes on protein structure and function (PolyPhen-2) suggests that this variant is likely to be disruptive. In summary, the available evidence is currently insufficient to determine the role of this variant in disease. Therefore, it has been classified as a Variant of Uncertain Significance.

Ambry Genetics
Classification: Uncertain significance for Hereditary cancer-predisposing syndrome. Last evaluated: 2024-11-21. Review status: criteria provided, single submitter. Criteria: Ambry Variant Classification Scheme 2023. Collection method: clinical testing. Allele origin: germline.
Comment: The p.E1058D variant (also known as c.3174A>C), located in coding exon 19 of the RET gene, results from an A to C substitution at nucleotide position 3174. The glutamic acid at codon 1058 is replaced by aspartic acid, an amino acid with highly similar properties. This amino acid position is highly conserved in available vertebrate species. In addition, the in silico prediction for this alteration is inconclusive. Based on the available evidence, the clinical significance of this variant remains unclear.

Fulgent Genetics
Classification: Uncertain significance for Hirschsprung disease, susceptibility to, 1; Familial medullary thyroid carcinoma; Multiple endocrine neoplasia type 2B; Pheochromocytoma; Multiple endocrine neoplasia type 2A. Last evaluated: 2024-06-19. Review status: criteria provided, single submitter. Criteria: ACMG Guidelines, 2015. Collection method: clinical testing. Allele origin: germline.